The following is an entry in ClinVar:

NM_001364905.1(LRBA):c.2951A>G (p.His984Arg)

Gene: LRBA (LPS responsive beige-like anchor protein; minus strand). Cytogenetic location: 4q31.3.
Variant type: single nucleotide variant.
Coding change: c.2951A>G on transcript NM_001364905.1 (MANE Select); coding-DNA position 2951, A replaced by G.
Protein change: p.His984Arg; replaces histidine 984 with arginine.
Molecular consequence: missense variant.
Genome position (GRCh38, 1-based): chr4:150,852,759, T>C on the plus strand (A>G on the coding strand, the complement: LRBA is on the minus strand). VCF-style: chr4-150852759-T-C. GRCh37 (hg19) VCF-style: chr4-151773911-T-C.
Other names: c.2951A>G, p.His984Arg (NM_001199282.3, NM_001367550.1, NM_006726.5); short protein forms H984R.
Identifiers: ClinVar variation 2004973 (VCV002004973.2), dbSNP rs1750762605, ClinGen allele CA358460142.

ClinVar aggregate classification (germline): Uncertain significance (1 of 4 stars; one submission).

Conditions:
Combined immunodeficiency due to LRBA deficiency. Also called: Common variable immunodeficiency 8, with autoimmunity. Identifiers: Orphanet 445018, MedGen C3553512, MONDO:0013863, OMIM 614700.

Allele frequency attached by ClinVar (database versions not stated): gnomAD exomes below 0.00001; TOPMed below 0.00001.
gnomAD v4.1: 4 of 1,614,024 alleles (0.00025%); highest among the groups gnomAD compares: Non-Finnish European, 0.00034%; no homozygotes.

Submission:

Labcorp Genetics (formerly Invitae), Labcorp
Classification: Uncertain significance for Combined immunodeficiency due to LRBA deficiency. Last evaluated: 2022-06-12. Review status: criteria provided, single submitter. Criteria: Invitae Variant Classification Sherloc (09022015). Collection method: clinical testing. Allele origin: germline.
Comment: This sequence change replaces histidine, which is basic and polar, with arginine, which is basic and polar, at codon 984 of the LRBA protein (p.His984Arg). In summary, the available evidence is currently insufficient to determine the role of this variant in disease. Therefore, it has been classified as a Variant of Uncertain Significance. Algorithms developed to predict the effect of missense changes on protein structure and function output the following: SIFT: "Tolerated"; PolyPhen-2: "Benign"; Align-GVGD: "Class C0". The arginine amino acid residue is found in multiple mammalian species, which suggests that this missense change does not adversely affect protein function. This variant has not been reported in the literature in individuals affected with LRBA-related conditions. This variant is not present in population databases (gnomAD no frequency).